The following is an entry in ClinVar:

ClinVar aggregate classification (germline): Uncertain significance. Review status: criteria provided, multiple submitters, no conflicts (2 of 4 stars). 3 submissions from 3 submitters: Uncertain significance (3). Last evaluated 2025-03-22.

Conditions:
Inborn genetic diseases. Identifiers: MedGen C0950123, MeSH D030342.

Allele frequency attached by ClinVar (database versions not stated): gnomAD exomes 0.00001; TOPMed 0.00002; ExAC 0.00004.
gnomAD v4.1: 9 of 1,610,444 alleles (0.00056%); highest among the groups gnomAD compares: Admixed American, 0.015%; no homozygotes.

Submissions (3):

Ambry Genetics
Classification: Uncertain significance for Inborn genetic diseases. Last evaluated: 2025-03-22. Review status: criteria provided, single submitter. Criteria: Ambry Variant Classification Scheme 2023. Collection method: clinical testing. Allele origin: germline.
Comment: The p.G538R variant (also known as c.1612G>A), located in coding exon 16 of the ANKRD26 gene, results from a G to A substitution at nucleotide position 1612. The glycine at codon 538 is replaced by arginine, an amino acid with dissimilar properties. This amino acid position is conserved. In addition, this alteration is predicted to be tolerated by in silico analysis. Based on the available evidence, the clinical significance of this variant remains unclear.

GeneDx
Classification: Uncertain significance. Last evaluated: 2023-04-26. Review status: criteria provided, single submitter. Criteria: GeneDx Variant Classification Process June 2021. Collection method: clinical testing. Allele origin: germline. Affected: yes.
Comment: In silico analysis supports that this missense variant does not alter protein structure/function; Has not been previously published as pathogenic or benign to our knowledge

Labcorp Genetics (formerly Invitae), Labcorp
Classification: Uncertain significance. Last evaluated: 2022-08-15. Review status: criteria provided, single submitter. Criteria: Invitae Variant Classification Sherloc (09022015). Collection method: clinical testing. Allele origin: germline.
Comment: This variant has not been reported in the literature in individuals affected with ANKRD26-related conditions. In summary, the available evidence is currently insufficient to determine the role of this variant in disease. Therefore, it has been classified as a Variant of Uncertain Significance. Algorithms developed to predict the effect of missense changes on protein structure and function (SIFT, PolyPhen-2, Align-GVGD) all suggest that this variant is likely to be tolerated. This variant is present in population databases (rs752712952, gnomAD 0.02%). This sequence change replaces glycine, which is neutral and non-polar, with arginine, which is basic and polar, at codon 538 of the ANKRD26 protein (p.Gly538Arg).

NM_014915.3(ANKRD26):c.1612G>A (p.Gly538Arg)

Gene: ANKRD26 (ankyrin repeat domain 26; minus strand). Cytogenetic location: 10p12.1.
Variant type: single nucleotide variant.
Coding change: c.1612G>A on transcript NM_014915.3 (MANE Select); coding-DNA position 1612, G replaced by A.
Protein change: p.Gly538Arg; replaces glycine 538 with arginine.
Molecular consequence: missense variant.
Genome position (GRCh38, 1-based): chr10:27,053,343, C>T on the plus strand (G>A on the coding strand, the complement: ANKRD26 is on the minus strand). VCF-style: chr10-27053343-C-T. GRCh37 (hg19) VCF-style: chr10-27342272-C-T.
Other names: c.1612G>A, p.Gly538Arg (NM_001256053.2); short protein forms G538R.
Identifiers: ClinVar variation 2169261 (VCV002169261.6), dbSNP rs752712952, ClinGen allele CA5448473.